The following is an entry in ClinVar:

NM_015450.3(POT1):c.998C>T (p.Ser333Phe)

Gene: POT1 (protection of telomeres 1; minus strand). Cytogenetic location: 7q31.33.
Variant type: single nucleotide variant.
Coding change: c.998C>T on transcript NM_015450.3 (MANE Select); coding-DNA position 998, C replaced by T.
Protein change: p.Ser333Phe; replaces serine 333 with phenylalanine.
Molecular consequence: missense variant. On other transcripts: non-coding transcript variant (3).
Genome position (GRCh38, 1-based): chr7:124,846,950, G>A on the plus strand (C>T on the coding strand, the complement: POT1 is on the minus strand). VCF-style: chr7-124846950-G-A. GRCh37 (hg19) VCF-style: chr7-124487004-G-A.
Other names: c.605C>T, p.Ser202Phe (NM_001042594.2); short protein forms S333F, S202F.
Identifiers: ClinVar variation 4141923 (VCV004141923.1).
Genomic context (GRCh38, chr7:124,846,950, plus strand): 5'-ACTTTATTATGCTCATTACTGTGCCCATCTCAAAAATGATACATAGTCTTACTTGTAGCA[G>A]ATAGCTGTTGACATCTTTCTACCTCGTATAATGATACTGATCCAGAGCCTATAAAAAGGA-3'
Protein context (NP_056265.2, residues 323-343): LYEVERCQQL[Ser333Phe]ATILTDHQYL

ClinVar aggregate classification (germline): Uncertain significance (1 of 4 stars; one submission).

Conditions:
Hereditary cancer-predisposing syndrome. Also called: Hereditary neoplastic syndrome; Neoplastic Syndromes, Hereditary; Tumor predisposition; Hereditary Cancer Syndrome. Identifiers: Orphanet 140162, MedGen C0027672, MeSH D009386, MONDO:0015356.

gnomAD v4.1: 1 of 1,598,734 alleles (0.000063%); highest among the groups gnomAD compares: South Asian, 0.0011%; no homozygotes.

Submission:

Ambry Genetics
Classification: Uncertain significance for Hereditary cancer-predisposing syndrome. Last evaluated: 2025-07-08. Review status: criteria provided, single submitter. Criteria: Ambry Variant Classification Scheme 2023. Collection method: clinical testing. Allele origin: germline.
Comment: The p.S333F variant (also known as c.998C>T), located in coding exon 8 of the POT1 gene, results from a C to T substitution at nucleotide position 998. The serine at codon 333 is replaced by phenylalanine, an amino acid with highly dissimilar properties. This amino acid position is highly conserved in available vertebrate species. In addition, the in silico prediction for this alteration is inconclusive. Based on the available evidence, the clinical significance of this variant remains unclear.